The following is an entry in ClinVar:

ClinVar aggregate classification (germline): Likely benign (1 of 4 stars; one submission).

Allele frequency attached by ClinVar (database versions not stated): 1000 Genomes Project 0.00379; 1000 Genomes Project 30x 0.00390; ExAC 0.00395; gnomAD 0.00467; TOPMed 0.00497; ESP Exome Variant Server 0.00553; gnomAD exomes 0.00628.
gnomAD v4.1: 9,820 of 1,613,720 alleles (0.61%); highest among the groups gnomAD compares: Non-Finnish European, 0.76%; 43 homozygotes.

Submission:

CeGaT Center for Human Genetics Tuebingen
Classification: Likely benign. Last evaluated: 2026-06-01. Review status: criteria provided, single submitter. Criteria: CeGaT Center For Human Genetics Tuebingen Variant Classification Criteria Version 2. Collection method: clinical testing. Allele origin: germline. Affected: yes. Observed: 3 variant alleles.
Comment: NEK10: BP4, BS2

NM_001394966.1(NEK10):c.199G>A (p.Gly67Ser)

Gene: NEK10 (NIMA related kinase 10; minus strand). Cytogenetic location: 3p24.1.
Variant type: single nucleotide variant.
Coding change: c.199G>A on transcript NM_001394966.1 (MANE Select); coding-DNA position 199, G replaced by A.
Protein change: p.Gly67Ser; replaces glycine 67 with serine.
Molecular consequence: missense variant.
Genome position (GRCh38, 1-based): chr3:27,346,150, C>T on the plus strand (G>A on the coding strand, the complement: NEK10 is on the minus strand). VCF-style: chr3-27346150-C-T. GRCh37 (hg19) VCF-style: chr3-27387641-C-T.
Other names: c.199G>A, p.Gly67Ser (NM_001394963.1, NM_001394964.1, NM_001394965.1 and 7 more transcripts); short protein forms G67S.
Identifiers: ClinVar variation 2653636 (VCV002653636.24), dbSNP rs55958314, ClinGen allele CA2291265.